The following is an entry in ClinVar:

ClinVar aggregate classification (germline): Pathogenic (1 of 4 stars; one submission).

Conditions:
Zellweger spectrum disorders (ZS). Also called: Zellweger syndrome; Zellweger Spectrum Disorder (ZSD); Zellweger Spectrum Disorder; Zellweger Spectrum. Identifiers: Orphanet 912, MedGen C0043459, MONDO:0019609.

Submission:

Labcorp Genetics (formerly Invitae), Labcorp
Classification: Pathogenic for Zellweger spectrum disorders. Last evaluated: 2023-12-03. Review status: criteria provided, single submitter. Criteria: Invitae Variant Classification Sherloc (09022015). Collection method: clinical testing. Allele origin: germline.
Comment: This sequence change creates a premature translational stop signal (p.Gly955Glnfs*7) in the PEX1 gene. It is expected to result in an absent or disrupted protein product. Loss-of-function variants in PEX1 are known to be pathogenic (PMID: 21031596, 26387595, 31831025). This variant is not present in population databases (gnomAD no frequency). This variant has not been reported in the literature in individuals affected with PEX1-related conditions. Algorithms developed to predict the effect of sequence changes on RNA splicing suggest that this variant may disrupt the consensus splice site. For these reasons, this variant has been classified as Pathogenic.

Literature cited by the submitters: PubMed 21031596; PubMed 26387595; PubMed 31831025.

NM_000466.3(PEX1):c.2861_2862dup (p.Gly955fs)

Genes: GATAD1 (GATA zinc finger domain containing 1; plus strand), PEX1 (peroxisomal biogenesis factor 1; minus strand). Cytogenetic location: 7q21.2.
Variant type: Duplication.
Coding change: c.2861_2862dup on transcript NM_000466.3 (MANE Select); coding-DNA positions 2861 to 2862, 2 bases duplicated (CA; older notation c.2861_2862dupCA).
Protein change: p.Gly955fs; shifts the reading frame from glycine 955.
Molecular consequence: frameshift variant.
Genome position (GRCh38, 1-based): chr7:92,494,551-92,494,552, TG duplicated on the plus strand (CA on the coding strand, the reverse complement: PEX1 is on the minus strand); duplicating any 2 consecutive bases within chr7:92,494,551-92,494,553 gives the same sequence; the c. name uses the placement nearest the transcript's 3' end. VCF-style (leftmost placement, unchanged base first): chr7-92494550-C-CTG. GRCh37 (hg19) VCF-style: chr7-92123864-C-CTG.
Other names: c.2690_2691dup, p.Gly898fs (NM_001282677.2); c.2237_2238dup, p.Gly747fs (NM_001282678.2); short protein forms G747fs, G898fs, G955fs.
Identifiers: ClinVar variation 2700719 (VCV002700719.3), dbSNP rs2484638354, ClinGen allele CA2697557384.
Genomic context (GRCh38, chr7:92,494,550, plus strand): 5'-GTAAGCCTTCTACTCCATCCAACTGAGTCAGCAACTGGTTAACTACTCGGTCTGTAACTC[C>CTG]TGTATTATCATGACCCCGCCGAGGAGCAATGGATTCAAATTCATCAAAGAAAAGAATGCA-3'